The following is an entry in ClinVar:

ClinVar aggregate classification (germline): Likely pathogenic (1 of 4 stars; one submission).

Allele frequency attached by ClinVar (database versions not stated): ExAC 0.00001.
gnomAD v4.1: 3 of 1,613,686 alleles (0.00019%); highest among the groups gnomAD compares: Non-Finnish European, 0.00017%; no homozygotes.

Submission:

Labcorp Genetics (formerly Invitae), Labcorp
Classification: Likely pathogenic. Last evaluated: 2023-03-01. Review status: criteria provided, single submitter. Criteria: Invitae Variant Classification Sherloc (09022015). Collection method: clinical testing. Allele origin: germline.
Comment: In summary, the currently available evidence indicates that the variant is pathogenic, but additional data are needed to prove that conclusively. Therefore, this variant has been classified as Likely Pathogenic. Algorithms developed to predict the effect of sequence changes on RNA splicing suggest that this variant may disrupt the consensus splice site. This variant has not been reported in the literature in individuals affected with ABCC2-related conditions. This variant is present in population databases (rs756707816, gnomAD 0.0009%). This sequence change affects an acceptor splice site in intron 15 of the ABCC2 gene. It is expected to disrupt RNA splicing. Variants that disrupt the donor or acceptor splice site typically lead to a loss of protein function (PMID: 16199547), and loss-of-function variants in ABCC2 are known to be pathogenic (PMID: 9185779, 16549534, 16952291).

Literature cited by the submitters: PubMed 16199547; PubMed 9185779; PubMed 16549534; PubMed 16952291.

NM_000392.5(ABCC2):c.1968-1G>A

Gene: ABCC2 (ATP binding cassette subfamily C member 2; plus strand). Cytogenetic location: 10q24.2.
Variant type: single nucleotide variant.
Coding change: c.1968-1G>A on transcript NM_000392.5 (MANE Select); the canonical splice acceptor site of the intron before coding-DNA position 1968, G replaced by A.
Molecular consequence: splice acceptor variant.
Genome position (GRCh38, 1-based): chr10:99,813,017, G>A. VCF-style: chr10-99813017-G-A. GRCh37 (hg19) VCF-style: chr10-101572774-G-A.
Identifiers: ClinVar variation 2868722 (VCV002868722.3), dbSNP rs756707816, ClinGen allele CA5643365.
Genomic context (GRCh38, chr10:99,813,017, plus strand): 5'-TTGAACTACTCTTCAATACCCAACCCCTGCTATCTCCTTCAAAGACATTCCTGTCTTTCA[G>A]TGTGAACCTGGACATTATGGCAGGCCAACTTGTGGCTGTGATAGGCCCTGTCGGCTCTGG-3'